The following is an entry in ClinVar:

NM_152564.5(VPS13B):c.7345T>C (p.Trp2449Arg)

Gene: VPS13B (vacuolar protein sorting 13 homolog B; plus strand). Cytogenetic location: 8q22.2.
Variant type: single nucleotide variant.
Coding change: c.7345T>C on transcript NM_152564.5 (MANE Select); coding-DNA position 7345, T replaced by C.
Protein change: p.Trp2449Arg; replaces tryptophan 2449 with arginine.
Molecular consequence: missense variant.
Genome position (GRCh38, 1-based): chr8:99,776,872, T>C. VCF-style: chr8-99776872-T-C. GRCh37 (hg19) VCF-style: chr8-100789100-T-C.
Other names: c.7420T>C, p.Trp2474Arg (NM_017890.5); c.7420T>C (NM_017890.4); c.7345T>C (NM_152564.4); short protein forms W2449R, W2474R.
Identifiers: ClinVar variation 1354121 (VCV001354121.9), dbSNP rs1053258649, ClinGen allele CA183041732.

ClinVar aggregate classification (germline): Uncertain significance. Review status: criteria provided, multiple submitters, no conflicts (2 of 4 stars). 3 submissions from 3 submitters: Uncertain significance (3). Last evaluated 2025-03-02.

Conditions:
Cohen syndrome (COH1). Also called: Cutis verticis gyrata, retinitis pigmentosa, and sensorineural deafness; PEPPER SYNDROME. Identifiers: Orphanet 193, MedGen C0265223, MONDO:0008999, OMIM 216550.
VPS13B-related disorder. Also called: VPS13B-related condition.

Allele frequency attached by ClinVar (database versions not stated): gnomAD 0.00001; TOPMed 0.00001.
gnomAD v4.1: 2 of 1,613,996 alleles (0.00012%); highest among the groups gnomAD compares: Non-Finnish European, 0.00017%; no homozygotes.

Submissions (3):

PreventionGenetics, part of Exact Sciences
Classification: Uncertain significance for VPS13B-related condition. Last evaluated: 2025-03-02. Review status: criteria provided, single submitter. Criteria: ACMG Guidelines, 2015. Collection method: clinical testing. Allele origin: germline.
Comment: The VPS13B c.7345T>C variant is predicted to result in the amino acid substitution p.Trp2449Arg. To our knowledge, this variant has not been reported in the literature. This variant is reported in 0.0065% of alleles in individuals of European (Non-Finnish) descent in gnomAD. At this time, the clinical significance of this variant is uncertain due to the absence of conclusive functional and genetic evidence.

Labcorp Genetics (formerly Invitae), Labcorp
Classification: Uncertain significance for Cohen syndrome. Last evaluated: 2025-01-21. Review status: criteria provided, single submitter. Criteria: Invitae Variant Classification Sherloc (09022015). Collection method: clinical testing. Allele origin: germline.
Comment: This sequence change replaces tryptophan, which is neutral and slightly polar, with arginine, which is basic and polar, at codon 2474 of the VPS13B protein (p.Trp2474Arg). This variant is present in population databases (no rsID available, gnomAD 0.007%). This variant has not been reported in the literature in individuals affected with VPS13B-related conditions. ClinVar contains an entry for this variant (Variation ID: 1354121). Invitae Evidence Modeling of protein sequence and biophysical properties (such as structural, functional, and spatial information, amino acid conservation, physicochemical variation, residue mobility, and thermodynamic stability) indicates that this missense variant is expected to disrupt VPS13B protein function with a positive predictive value of 80%. In summary, the available evidence is currently insufficient to determine the role of this variant in disease. Therefore, it has been classified as a Variant of Uncertain Significance.

Revvity Omics, Revvity
Classification: Uncertain significance for Cohen syndrome. Last evaluated: 2021-12-30. Review status: criteria provided, single submitter. Criteria: ACMG Guidelines, 2015. Collection method: clinical testing. Allele origin: germline.